The following is an entry in ClinVar:

NM_000088.4(COL1A1):c.1930G>A (p.Gly644Ser)

Gene: COL1A1 (collagen type I alpha 1 chain; minus strand). Cytogenetic location: 17q21.33.
Variant type: single nucleotide variant.
Coding change: c.1930G>A on transcript NM_000088.4 (MANE Select); coding-DNA position 1930, G replaced by A.
Protein change: p.Gly644Ser; replaces glycine 644 with serine.
Molecular consequence: missense variant.
Genome position (GRCh38, 1-based): chr17:50,192,528, C>T on the plus strand (G>A on the coding strand, the complement: COL1A1 is on the minus strand). VCF-style: chr17-50192528-C-T. GRCh37 (hg19) VCF-style: chr17-48269889-C-T.
Other names: short protein forms G644S.
Identifiers: ClinVar variation 392573 (VCV000392573.2), dbSNP rs1057524547, ClinGen allele CA16608529.

ClinVar aggregate classification (germline): Pathogenic (1 of 4 stars; one submission).

Submission:

GeneDx
Classification: Pathogenic. Last evaluated: 2017-01-04. Review status: criteria provided, single submitter. Criteria: GeneDx Variant Classification (06012015). Collection method: clinical testing. Allele origin: germline. Affected: yes.
Comment: The G644S pathogenic variant has not been published as a pathogenic variant, nor has it been reported as a benign variant to our knowledge. G644S occurs in the triple helical domain and replaces the Glycine in the canonical Gly-X-Y repeat. Variants in these Glycines result in poor winding of the collagen triple helix and a less functional protein. The G644S variant was not observed in approximately 6500 individuals of European and African American ancestry in the NHLBI Exome Sequencing Project, indicating it is not a common benign variant in these populations. The G644S variant is a non-conservative amino acid substitution, which is likely to impact secondary protein structure as these residues differ in polarity, charge, size and/or other properties. This substitution occurs at a position that is conserved across species. In silico analysis predicts this variant is damaging to the protein structure/function. Other missense changes in a nearby Glycines (G635S, G638V, G647S, G650R) have been reported in the Human Gene Mutation Database in association with osteogenesis imperfecta (Stenson et al., 2014), supporting the functional importance of this region of the protein.